The following is an entry in ClinVar:

NM_017791.3(FLVCR2):c.953-14G>A

Gene: FLVCR2 (FLVCR choline and putative heme transporter 2; plus strand). Cytogenetic location: 14q24.3.
Variant type: single nucleotide variant.
Coding change: c.953-14G>A on transcript NM_017791.3 (MANE Select); 14 bases into the intron before coding-DNA position 953, G replaced by A.
Molecular consequence: intron variant.
Genome position (GRCh38, 1-based): chr14:75,633,615, G>A. VCF-style: chr14-75633615-G-A. GRCh37 (hg19) VCF-style: chr14-76099958-G-A.
Other names: c.338-14G>A (NM_001195283.2).
Identifiers: ClinVar variation 887568 (VCV000887568.10), dbSNP rs115200097, ClinGen allele CA7278391.

ClinVar aggregate classification (germline): Benign/Likely benign. Review status: criteria provided, multiple submitters, no conflicts (2 of 4 stars). 3 submissions from 3 submitters: Benign (2); Likely benign (1). Last evaluated 2025-12-16.

Conditions:
Posterior column ataxia-retinitis pigmentosa syndrome (RETSNS). Also called: RETINOPATHY-SENSORY NEUROPATHY SYNDROME. Identifiers: Orphanet 88628, MedGen C1836916, MONDO:0012177, OMIM 609033.

Allele frequency attached by ClinVar (database versions not stated): gnomAD exomes 0.00045 and 0.00144; ExAC 0.00181; ESP Exome Variant Server 0.00507; gnomAD 0.00519 and 0.00554; TOPMed 0.00546; 1000 Genomes Project 30x 0.00953; 1000 Genomes Project 0.00958.
gnomAD v4.1: 1,458 of 1,610,852 alleles (0.091%); highest among the groups gnomAD compares: African/African-American, 1.7%; 12 homozygotes.

Submissions (3):

Labcorp Genetics (formerly Invitae), Labcorp
Classification: Benign. Last evaluated: 2025-12-16. Review status: criteria provided, single submitter. Criteria: Invitae Variant Classification Sherloc (09022015). Collection method: clinical testing. Allele origin: germline.

GeneDx
Classification: Likely benign. Last evaluated: 2020-06-17. Review status: criteria provided, single submitter. Criteria: GeneDx Variant Classification Process June 2021. Collection method: clinical testing. Allele origin: germline. Affected: yes.

Illumina Laboratory Services, Illumina
Classification: Benign for Posterior column ataxia-retinitis pigmentosa syndrome. Last evaluated: 2018-01-12. Review status: criteria provided, single submitter. Criteria: ICSL Variant Classification Criteria 13 December 2019. Collection method: clinical testing. Allele origin: germline.
Comment: This variant was observed in the ICSL laboratory as part of a predisposition screen in an ostensibly healthy population. It had not been previously curated by ICSL or reported in the Human Gene Mutation Database (HGMD: prior to June 1st, 2018), and was therefore a candidate for classification through an automated scoring system. Utilizing variant allele frequency, disease prevalence and penetrance estimates, and inheritance mode, an automated score was calculated to assess if this variant is too frequent to cause the disease. Based on the score and internal cut-off values, a variant classified as benign is not then subjected to further curation. The score for this variant resulted in a classification of benign for this disease.